The following is an entry in ClinVar:

NM_001039111.3(TRIM71):c.275C>T (p.Pro92Leu)

Gene: TRIM71 (tripartite motif containing 71; plus strand). Cytogenetic location: 3p22.3.
Variant type: single nucleotide variant.
Coding change: c.275C>T on transcript NM_001039111.3 (MANE Select); coding-DNA position 275, C replaced by T.
Protein change: p.Pro92Leu; replaces proline 92 with leucine.
Molecular consequence: missense variant.
Genome position (GRCh38, 1-based): chr3:32,818,355, C>T. VCF-style: chr3-32818355-C-T. GRCh37 (hg19) VCF-style: chr3-32859847-C-T.
Other names: short protein forms P92L.
Identifiers: ClinVar variation 4531891 (VCV004531891.1).

ClinVar aggregate classification (germline): Uncertain significance (1 of 4 stars; one submission).

Conditions:
Hydrocephalus, congenital communicating, 1. Also called: HYDROCEPHALUS, CONGENITAL, 4. Identifiers: MedGen C5231454, MONDO:0032862, OMIM 618667.

gnomAD v4.1: 1 of 1,477,026 alleles (0.000068%); highest among the groups gnomAD compares: Admixed American, 0.0023%; no homozygotes.

Submission:

Victorian Clinical Genetics Services, Murdoch Childrens Research Institute
Classification: Uncertain significance for Hydrocephalus, congenital communicating, 1. Last evaluated: 2025-08-19. Review status: criteria provided, single submitter. Criteria: ACMG Guidelines, 2015. Collection method: clinical testing. Allele origin: germline. Affected: yes.
Comment: This variant is classified as VUS-3B. Evidence in support of pathogenic classification: Variant is present in gnomAD <0.001 for a dominant condition (v4: 1 heterozygote(s), 0 homozygote(s)). Additional information: Variant is predicted to result in a missense amino acid change from Pro to Leu; This variant is heterozygous; This gene is associated with autosomal dominant disease; Alternative amino acid change(s) at the same position are present in gnomAD (highest allele count: v4: 1 heterozygote(s), 0 homozygote(s)); This variant has no previous evidence of pathogenicity; No published evidence of segregation with disease has been identified for this variant; No published functional evidence has been identified for this variant; No comparable missense variants have previous evidence for pathogenicity; Variant is located in the annotated zinc finger, C3HC4 type (RING finger) domain (DECIPHER); Missense variant with inconclusive in silico prediction and uninformative conservation; The mechanism of disease for this gene is not clearly established.